The following is an entry in ClinVar:

ClinVar aggregate classification (germline): Pathogenic (1 of 4 stars; one submission).

Conditions:
Familial adenomatous polyposis 1 (FAP1). Also called: FAMILIAL ADENOMATOUS POLYPOSIS 1, ATTENUATED; POLYPOSIS, ADENOMATOUS INTESTINAL. Identifiers: MedGen C2713442, MONDO:0021056, OMIM 175100. Disease mechanism: loss of function.

Submission:

Labcorp Genetics (formerly Invitae), Labcorp
Classification: Pathogenic for Familial adenomatous polyposis 1. Last evaluated: 2017-12-29. Review status: criteria provided, single submitter. Criteria: Invitae Variant Classification Sherloc (09022015). Collection method: clinical testing. Allele origin: germline.
Comment: Several different truncating variants downstream of this variant (p.Asp1942Glufs*27, p.Tyr2645Lysfs*14) have been determined to be pathogenic (PMID: 15108286, 1316610). This suggests that deletion of this region of the APC protein is causative of disease. This sequence change is a large insertion likely meditated by a transposable element in exon 16 of the APC mRNA (c.3088_3092delinsLINE), causing a frameshift at codon 1030 (p.Lys1030fs). The exact size and sequence of the insertion cannot be determined by the current assay. While this is not anticipated to result in nonsense mediated decay, it likely alters RNA splicing and results in a disrupted protein product. For these reasons, this variant has been classified as Pathogenic. Retrotransposon insertions including LINE1 (L1), Alu, and SVA (SINE-VNTR-Alu) have been reported to be disease-causing through disruption of either a coding region or splice site (PMID: 19763152, 20307669, 22406018). While this particular variant has not been reported in the literature, loss-of-function variants in APC are known to be pathogenic (PMID: 20685668, 17963004).

Literature cited by the submitters: PubMed 15108286; PubMed 1316610; PubMed 19763152; PubMed 20307669; PubMed 22406018; PubMed 20685668; PubMed 17963004.

NM_000038.6(APC):c.3088_3092delinsTTTTTTTTTTTTTTTTTTTTTTTTTTTTTTTTTTTTTTTTTTTTTTTTTTNNNNNNNNNNNNNNNNNNNNNCTCTGTATTTCCTGAATTTGAATATTGGCCTGCCTTGCTAGATTGGGGAAGTTCTCCTGGATAATATCCTGCAGTGTT (p.Lys1030_Tyr1031delinsPhePhePhePhePhePhePhePhePhePhePhePhePhePhePhePheXaaXaaXaaXaaXaaXaaXaaXaaSerValPheProGluPheGluTyrTrpProAlaLeuLeuAspTrpGlySerSerProGlyTer)

Gene: APC (APC regulator of Wnt signaling pathway; plus strand). Cytogenetic location: 5q22.2.
Variant type: Indel.
Coding change: c.3088_3092delinsTTTTTTTTTTTTTTTTTTTTTTTTTTTTTTTTTTTTTTTTTTTTTTTTTTNNNNNNNNNNNNNNNNNNNNNCTCTGTATTTCCTGAATTTGAATATTGGCCTGCCTTGCTAGATTGGGGAAGTTCTCCTGGATAATATCCTGCAGTGTT on transcript NM_000038.6 (MANE Select); coding-DNA positions 3088 to 3092, the reference bases replaced by an inserted sequence.
Protein change: p.Lys1030_Tyr1031delinsPhePhePhePhePhePhePhePhePhePhePhePhePhePhePhePheXaaXaaXaaXaaXaaXaaXaaXaaSerValPheProGluPheGluTyrTrpProAlaLeuLeuAspTrpGlySerSerProGlyTer.
Molecular consequence: nonsense.
Genome position (GRCh38, 1-based): chr5:112,838,682-112,838,686, 5 bases replaced. GRCh37 (hg19): chr5:112,174,379-112,174,383.
Other names: c.3088_3092delinsTTTTTTTTTTTTTTTTTTTTTTTTTTTTTTTTTTTTTTTTTTTTTTTTTTNNNNNNNNNNNNNNNNNNNNNCTCTGTATTTCCTGAATTTGAATATTGGCCTGCCTTGCTAGATTGGGGAAGTTCTCCTGGATAATATCCTGCAGTGTT, p.Lys1030_Tyr1031delinsPhePhePhePhePhePhePhePhePhePhePhePhePhePhePhePheXaaXaaXaaXaaXaaXaaXaaXaaSerValPheProGluPheGluTyrTrpProAlaLeuLeuAspTrpGlySerSerProGlyTer (NM_001127510.3, NM_001354895.2); c.3034_3038delinsTTTTTTTTTTTTTTTTTTTTTTTTTTTTTTTTTTTTTTTTTTTTTTTTTTNNNNNNNNNNNNNNNNNNNNNCTCTGTATTTCCTGAATTTGAATATTGGCCTGCCTTGCTAGATTGGGGAAGTTCTCCTGGATAATATCCTGCAGTGTT, p.Lys1012_Tyr1013delinsPhePhePhePhePhePhePhePhePhePhePhePhePhePhePhePheXaaXaaXaaXaaXaaXaaXaaXaaSerValPheProGluPheGluTyrTrpProAlaLeuLeuAspTrpGlySerSerProGlyTer (NM_001127511.3); c.3142_3146delinsTTTTTTTTTTTTTTTTTTTTTTTTTTTTTTTTTTTTTTTTTTTTTTTTTTNNNNNNNNNNNNNNNNNNNNNCTCTGTATTTCCTGAATTTGAATATTGGCCTGCCTTGCTAGATTGGGGAAGTTCTCCTGGATAATATCCTGCAGTGTT, p.Lys1048_Tyr1049delinsPhePhePhePhePhePhePhePhePhePhePhePhePhePhePhePheXaaXaaXaaXaaXaaXaaXaaXaaSerValPheProGluPheGluTyrTrpProAlaLeuLeuAspTrpGlySerSerProGlyTer (NM_001354896.2); c.3118_3122delinsTTTTTTTTTTTTTTTTTTTTTTTTTTTTTTTTTTTTTTTTTTTTTTTTTTNNNNNNNNNNNNNNNNNNNNNCTCTGTATTTCCTGAATTTGAATATTGGCCTGCCTTGCTAGATTGGGGAAGTTCTCCTGGATAATATCCTGCAGTGTT, p.Lys1040_Tyr1041delinsPhePhePhePhePhePhePhePhePhePhePhePhePhePhePhePheXaaXaaXaaXaaXaaXaaXaaXaaSerValPheProGluPheGluTyrTrpProAlaLeuLeuAspTrpGlySerSerProGlyTer (NM_001354897.2); c.3013_3017delinsTTTTTTTTTTTTTTTTTTTTTTTTTTTTTTTTTTTTTTTTTTTTTTTTTTNNNNNNNNNNNNNNNNNNNNNCTCTGTATTTCCTGAATTTGAATATTGGCCTGCCTTGCTAGATTGGGGAAGTTCTCCTGGATAATATCCTGCAGTGTT, p.Lys1005_Tyr1006delinsPhePhePhePhePhePhePhePhePhePhePhePhePhePhePhePheXaaXaaXaaXaaXaaXaaXaaXaaSerValPheProGluPheGluTyrTrpProAlaLeuLeuAspTrpGlySerSerProGlyTer (NM_001354898.2); c.3004_3008delinsTTTTTTTTTTTTTTTTTTTTTTTTTTTTTTTTTTTTTTTTTTTTTTTTTTNNNNNNNNNNNNNNNNNNNNNCTCTGTATTTCCTGAATTTGAATATTGGCCTGCCTTGCTAGATTGGGGAAGTTCTCCTGGATAATATCCTGCAGTGTT, p.Lys1002_Tyr1003delinsPhePhePhePhePhePhePhePhePhePhePhePhePhePhePhePheXaaXaaXaaXaaXaaXaaXaaXaaSerValPheProGluPheGluTyrTrpProAlaLeuLeuAspTrpGlySerSerProGlyTer (NM_001354899.2); c.2965_2969delinsTTTTTTTTTTTTTTTTTTTTTTTTTTTTTTTTTTTTTTTTTTTTTTTTTTNNNNNNNNNNNNNNNNNNNNNCTCTGTATTTCCTGAATTTGAATATTGGCCTGCCTTGCTAGATTGGGGAAGTTCTCCTGGATAATATCCTGCAGTGTT, p.Lys989_Tyr990delinsPhePhePhePhePhePhePhePhePhePhePhePhePhePhePhePheXaaXaaXaaXaaXaaXaaXaaXaaSerValPheProGluPheGluTyrTrpProAlaLeuLeuAspTrpGlySerSerProGlyTer (NM_001354900.2); c.2911_2915delinsTTTTTTTTTTTTTTTTTTTTTTTTTTTTTTTTTTTTTTTTTTTTTTTTTTNNNNNNNNNNNNNNNNNNNNNCTCTGTATTTCCTGAATTTGAATATTGGCCTGCCTTGCTAGATTGGGGAAGTTCTCCTGGATAATATCCTGCAGTGTT, p.Lys971_Tyr972delinsPhePhePhePhePhePhePhePhePhePhePhePhePhePhePhePheXaaXaaXaaXaaXaaXaaXaaXaaSerValPheProGluPheGluTyrTrpProAlaLeuLeuAspTrpGlySerSerProGlyTer (NM_001354901.2); and 5 more.
Identifiers: ClinVar variation 1069494 (VCV001069494.10), dbSNP rs2149884084.